The following is an entry in ClinVar:

NM_001371904.1(APOA5):c.1024G>A (p.Ala342Thr)

Gene: APOA5 (apolipoprotein A5; minus strand). Cytogenetic location: 11q23.3.
Variant type: single nucleotide variant.
Coding change: c.1024G>A on transcript NM_001371904.1 (MANE Select); coding-DNA position 1024, G replaced by A.
Protein change: p.Ala342Thr; replaces alanine 342 with threonine.
Molecular consequence: missense variant.
Genome position (GRCh38, 1-based): chr11:116,790,205, C>T on the plus strand (G>A on the coding strand, the complement: APOA5 is on the minus strand). VCF-style: chr11-116790205-C-T. GRCh37 (hg19) VCF-style: chr11-116660921-C-T.
Other names: c.1024G>A, p.Ala342Thr (NM_001166598.2, NM_052968.5); short protein forms A342T.
Identifiers: ClinVar variation 1769142 (VCV001769142.2), dbSNP rs1164378608, ClinGen allele CA382734299.

ClinVar aggregate classification (germline): Uncertain significance (1 of 4 stars; one submission).

Conditions:
Cardiovascular phenotype. Identifiers: MedGen CN230736.

Allele frequency attached by ClinVar (database versions not stated): gnomAD exomes below 0.00001; TOPMed below 0.00001; gnomAD 0.00001.
gnomAD v4.1: 4 of 1,614,140 alleles (0.00025%); highest among the groups gnomAD compares: Non-Finnish European, 0.00034%; no homozygotes.

Submission:

Ambry Genetics
Classification: Uncertain significance for Cardiovascular phenotype. Last evaluated: 2021-08-22. Review status: criteria provided, single submitter. Criteria: Ambry Variant Classification Scheme 2023. Collection method: clinical testing. Allele origin: germline.
Comment: The p.A342T variant (also known as c.1024G>A), located in coding exon 3 of the APOA5 gene, results from a G to A substitution at nucleotide position 1024. The alanine at codon 342 is replaced by threonine, an amino acid with similar properties. This amino acid position is conserved. In addition, this alteration is predicted to be tolerated by in silico analysis. Since supporting evidence is limited at this time, the clinical significance of this alteration remains unclear.